The following is an entry in ClinVar:

NM_000264.5(PTCH1):c.3730C>T (p.Gln1244Ter)

Gene: PTCH1 (patched 1; minus strand). Cytogenetic location: 9q22.32.
Variant type: single nucleotide variant.
Coding change: c.3730C>T on transcript NM_000264.5 (MANE Select); coding-DNA position 3730, C replaced by T.
Protein change: p.Gln1244Ter; replaces glutamine 1244 with a stop codon.
Molecular consequence: nonsense. On other transcripts: non-coding transcript variant (1).
Genome position (GRCh38, 1-based): chr9:95,449,143, G>A on the plus strand (C>T on the coding strand, the complement: PTCH1 is on the minus strand). VCF-style: chr9-95449143-G-A. GRCh37 (hg19) VCF-style: chr9-98211425-G-A.
Other names: c.3532C>T, p.Gln1178Ter (NM_001083602.3); c.3727C>T, p.Gln1243Ter (NM_001083603.3); c.3277C>T, p.Gln1093Ter (NM_001083604.3, NM_001083605.3, NM_001083606.3 and 1 more transcripts); c.3574C>T, p.Gln1192Ter (NM_001354918.2); short protein forms Q1093*, Q1178*, Q1192*, Q1243*, Q1244*.
Identifiers: ClinVar variation 1338677 (VCV001338677.4), dbSNP rs2136598174, ClinGen allele CA374111049.

ClinVar aggregate classification (germline): Uncertain significance (1 of 4 stars; one submission).

Submission:

Genetic Services Laboratory, University of Chicago
Classification: Uncertain significance. Last evaluated: 2021-12-20. Review status: criteria provided, single submitter. Criteria: ACMG Guidelines, 2015. Collection method: clinical testing. Allele origin: germline. Affected: no.
Comment: DNA sequence analysis of the PTCH1 gene demonstrated a sequence change, c.3730C>T, in exon 22 which results in the creation of a premature stop codon at amino acid position 1244, p.Gln1244. This sequence change is predicted to result in an abnormal transcript, which may be degraded, or may lead to the production of a truncated PTCH1 protein. This sequence change occurs in the penultimate coding exon in this gene and may escape nonsense mediated decay and result in a shortened protein. This sequence change does not appear to have been previously described in individuals with PTCH1-related disorders and has also not been described in population databases such as ExAC and gnomAD. The functional significance of this sequence change is not known at present.